The following is an entry in ClinVar:

NM_001190274.2(FBXO11):c.1200C>G (p.Ile400Met)

Gene: FBXO11 (F-box protein 11; minus strand). Cytogenetic location: 2p16.3.
Variant type: single nucleotide variant.
Coding change: c.1200C>G on transcript NM_001190274.2 (MANE Select); coding-DNA position 1200, C replaced by G.
Protein change: p.Ile400Met; replaces isoleucine 400 with methionine.
Molecular consequence: missense variant.
Genome position (GRCh38, 1-based): chr2:47,832,632, G>C on the plus strand (C>G on the coding strand, the complement: FBXO11 is on the minus strand). VCF-style: chr2-47832632-G-C. GRCh37 (hg19) VCF-style: chr2-48059771-G-C.
Other names: c.948C>G, p.Ile316Met (NM_001374325.1, NM_025133.4); short protein forms I316M, I400M.
Identifiers: ClinVar variation 3361222 (VCV003361222.1).
Genomic context (GRCh38, chr2:47,832,632, plus strand): 5'-CTGTGCATGATCTGTTATATATAGTCCAACATTTTCACAGTCACTGATGTTACAGTGCTT[G>C]ATGGTGGGACATGCTCCTTGACCACTAACACATACTGCAGAACCAACTGTAGAAAAATTA-3'
Protein context (NP_001177203.1, residues 390-410): CVSGQGACPT[Ile400Met]KHCNISDCEN

ClinVar aggregate classification (germline): Uncertain significance (1 of 4 stars; one submission).

Submission:

GeneDx
Classification: Uncertain significance. Last evaluated: 2023-07-18. Review status: criteria provided, single submitter. Criteria: GeneDx Variant Classification Process June 2021. Collection method: clinical testing. Allele origin: germline. Affected: yes.
Comment: Not observed at significant frequency in large population cohorts (gnomAD); In silico analysis supports that this missense variant does not alter protein structure/function; Has not been previously published as pathogenic or benign to our knowledge